The following is an entry in ClinVar:

NM_152424.4(AMER1):c.310del (p.His104fs)

Gene: AMER1 (APC membrane recruitment protein 1; minus strand). Cytogenetic location: Xq11.2.
Variant type: Deletion.
Coding change: c.310del on transcript NM_152424.4 (MANE Select); coding-DNA position 310, one base deleted (C; older notation c.310delC).
Protein change: p.His104fs; shifts the reading frame from histidine 104.
Molecular consequence: frameshift variant.
Genome position (GRCh38, 1-based): chrX:64,192,977, G deleted on the plus strand (C on the coding strand, the reverse complement: AMER1 is on the minus strand); the first of 3 consecutive G bases (chrX:64,192,977-64,192,979); deleting any one gives the same sequence. VCF-style (leftmost placement, unchanged base first): chrX-64192976-TG-T. GRCh37 (hg19) VCF-style: chrX-63412856-TG-T.
Other names: short protein forms H104fs.
Identifiers: ClinVar variation 4813475 (VCV004813475.1).

ClinVar aggregate classification (germline): Pathogenic (1 of 4 stars; one submission).

Conditions:
Osteopathia striata with cranial sclerosis (OSCS). Also called: HYPEROSTOSIS GENERALISATA WITH STRIATIONS. Identifiers: Orphanet 2780, MedGen C0432268, MONDO:0010310, OMIM 300373.

Submission:

MVZ Praenatalmedizin und Genetik Nuernberg
Classification: Pathogenic for Osteopathia striata with cranial sclerosis. Last evaluated: 2024-08-13. Review status: criteria provided, single submitter. Criteria: ACMG Guidelines, 2015. Collection method: clinical testing. Allele origin: de novo. Affected: yes.
Comment: This variant leads to a shift in the reading frame and consequently probably This variant also leads to a shift in the reading frame and consequently probably to premature degradation of the mRNA (NMD) or premature truncation of the protein (p.(His104Metfs*66); lossof >90% of the protein). The variant has not yet been described in the population-based database gnomAD (v.2,v.4) nor described in ClinVar or the literature. Downstream, many other truncating AMER1 variants are annotated as pathogenic, so loss-of-function is the typical pathomechanism. In summary, based on the current data we believe this to be a pathogenic variant.